The following is an entry in ClinVar:

ClinVar aggregate classification (germline): Likely pathogenic. Review status: criteria provided, multiple submitters, no conflicts (2 of 4 stars). 5 submissions from 5 submitters: Likely pathogenic (3). 2 of the submissions do not count toward it. Last evaluated 2024-06-06.

Conditions:
TRAF3IP1-related disorder. Also called: TRAF3IP1-related condition.
Short-rib thoracic dysplasia 6 with or without polydactyly (SRTD6). Also called: SHORT RIB-POLYDACTYLY SYNDROME, TYPE IIA; Majewski Syndrome; SHORT-RIB THORACIC DYSPLASIA 6 WITH POLYDACTYLY; SHORT-RIB THORACIC DYSPLASIA 6 WITHOUT POLYDACTYLY; POLYDACTYLY WITH NEONATAL CHONDRODYSTROPHY, TYPE II. Identifiers: MedGen C0024507, MONDO:0009894, OMIM 263520.

Allele frequency attached by ClinVar (database versions not stated): gnomAD exomes below 0.00001 and 0.00002; ExAC 0.00001; gnomAD 0.00001; TOPMed 0.00001; ESP Exome Variant Server 0.00008.
gnomAD v4.1: 28 of 1,602,834 alleles (0.0017%); highest among the groups gnomAD compares: Non-Finnish European, 0.0024%; no homozygotes.

Submissions (5):

Labcorp Genetics (formerly Invitae), Labcorp
Classification: Likely pathogenic. Last evaluated: 2024-06-06. Review status: criteria provided, single submitter. Criteria: Invitae Variant Classification Sherloc (09022015). Collection method: clinical testing. Allele origin: germline.
Comment: This sequence change affects an acceptor splice site in intron 6 of the TRAF3IP1 gene. It is expected to disrupt RNA splicing. Variants that disrupt the donor or acceptor splice site typically lead to a loss of protein function (PMID: 16199547), and loss-of-function variants in TRAF3IP1 are known to be pathogenic (PMID: 21945076, 26487268, 29068549). The frequency data for this variant in the population databases is considered unreliable, as metrics indicate poor data quality at this position in the gnomAD database. Disruption of this splice site has been observed in individual(s) with short-rib polydactyly syndrome (PMID: 29068549). ClinVar contains an entry for this variant (Variation ID: 446656). Algorithms developed to predict the effect of sequence changes on RNA splicing suggest that this variant may disrupt the consensus splice site. In summary, the currently available evidence indicates that the variant is pathogenic, but additional data are needed to prove that conclusively. Therefore, this variant has been classified as Likely Pathogenic.

PreventionGenetics, part of Exact Sciences
Classification: Likely pathogenic for TRAF3IP1-related condition. Last evaluated: 2023-06-13. Review status: criteria provided, single submitter. Criteria: ACMG Guidelines, 2015. Collection method: clinical testing. Allele origin: germline.
Comment: The TRAF3IP1 c.988-1G>C variant is predicted to disrupt the AG splice acceptor site and interfere with normal splicing. This variant was reported in an individual with short rib-polydactyly syndrome, type 2 (Zhang et al. 2018. PubMed ID: 29068549). This variant is reported in 0.00094% of alleles in individuals of European (Non-Finnish) descent in gnomAD. Variants that disrupt the consensus splice acceptor site in TRAF3IP1 are expected to be pathogenic. This variant is interpreted as likely pathogenic.

Blueprint Genetics
Classification: Likely pathogenic for TRAF3IP1-related disorders. Last evaluated: 2022-08-04. Review status: criteria provided, single submitter. Criteria: ACMG Guidelines, 2015. Collection method: clinical testing. Allele origin: germline. Affected: yes. Observed: 4 variant alleles.

Dan Cohn Lab, University Of California Los Angeles
Classification: Pathogenic for Short-rib thoracic dysplasia 6 with or without polydactyly. Last evaluated: 2017-06-01. Review status: no assertion criteria provided. Collection method: research. Allele origin: paternal. Affected: yes. Not counted in ClinVar's aggregate classification.

University of Washington Center for Mendelian Genomics, University of Washington
Classification: Likely pathogenic for short-rib polydactyly syndrome type II. Review status: no assertion criteria provided. Collection method: research. Allele origin: inherited. Affected: yes. Not counted in ClinVar's aggregate classification.

Literature cited by the submitters: PubMed 16199547 (cited by Labcorp Genetics (formerly Invitae), Labcorp); PubMed 21945076 (cited by Labcorp Genetics (formerly Invitae), Labcorp); PubMed 26487268 (cited by Labcorp Genetics (formerly Invitae), Labcorp); PubMed 29068549 (cited by 3 submitters).

NM_015650.4(IFT54):c.988-1G>C

Gene: IFT54 (intraflagellar transport 54; plus strand). Cytogenetic location: 2q37.3.
Variant type: single nucleotide variant.
Coding change: c.988-1G>C on transcript NM_015650.4 (MANE Select); the canonical splice acceptor site of the intron before coding-DNA position 988, G replaced by C.
Molecular consequence: splice acceptor variant.
Genome position (GRCh38, 1-based): chr2:238,333,959, G>C. VCF-style: chr2-238333959-G-C. GRCh37 (hg19) VCF-style: chr2-239242600-G-C.
Other names: c.988-1G>C (NM_001139490.1).
Identifiers: ClinVar variation 446656 (VCV000446656.10), dbSNP rs372499275, ClinGen allele CA2198230.